The following is an entry in ClinVar:

ClinVar aggregate classification (germline): Uncertain significance (1 of 4 stars; one submission).

Conditions:
Autosomal recessive limb-girdle muscular dystrophy type 2W (MDRCMTT). Also called: Muscular dystrophy, limb-girdle, type 2W; Muscular dystrophy, autosomal recessive, with cardiomyopathy and triangular tongue. Identifiers: MedGen C4225192, MONDO:0014788, OMIM 616827.

Allele frequency attached by ClinVar (database versions not stated): TOPMed below 0.00001; gnomAD 0.00001.
gnomAD v4.1: 8 of 1,613,774 alleles (0.0005%); highest among the groups gnomAD compares: Non-Finnish European, 0.00059%; no homozygotes.

Submission:

Labcorp Genetics (formerly Invitae), Labcorp
Classification: Uncertain significance for Autosomal recessive limb-girdle muscular dystrophy type 2W. Last evaluated: 2022-10-18. Review status: criteria provided, single submitter. Criteria: Invitae Variant Classification Sherloc (09022015). Collection method: clinical testing. Allele origin: germline.
Comment: In summary, the available evidence is currently insufficient to determine the role of this variant in disease. Therefore, it has been classified as a Variant of Uncertain Significance. Algorithms developed to predict the effect of missense changes on protein structure and function (SIFT, PolyPhen-2, Align-GVGD) all suggest that this variant is likely to be tolerated. This variant has not been reported in the literature in individuals affected with LIMS2-related conditions. This variant is not present in population databases (gnomAD no frequency). This sequence change replaces glutamine, which is neutral and polar, with glutamic acid, which is acidic and polar, at codon 354 of the LIMS2 protein (p.Gln354Glu).

NM_001161403.3(LIMS2):c.994C>G (p.Gln332Glu)

Gene: LIMS2 (LIM zinc finger domain containing 2; minus strand). Cytogenetic location: 2q14.3.
Variant type: single nucleotide variant.
Coding change: c.994C>G on transcript NM_001161403.3 (MANE Select); coding-DNA position 994, C replaced by G.
Protein change: p.Gln332Glu; replaces glutamine 332 with glutamic acid.
Molecular consequence: missense variant.
Genome position (GRCh38, 1-based): chr2:127,639,313, G>C on the plus strand (C>G on the coding strand, the complement: LIMS2 is on the minus strand). VCF-style: chr2-127639313-G-C. GRCh37 (hg19) VCF-style: chr2-128396888-G-C.
Other names: c.1060C>G, p.Gln354Glu (NM_001136037.4); c.979C>G, p.Gln327Glu (NM_001161404.2); c.538C>G, p.Gln180Glu (NM_001161405.1, NM_001256542.2); c.1066C>G, p.Gln356Glu (NM_017980.5); short protein forms Q327E, Q356E, Q354E, Q180E, Q332E.
Identifiers: ClinVar variation 2060218 (VCV002060218.4), dbSNP rs1340547227, ClinGen allele CA348423709.
Genomic context (GRCh38, chr2:127,639,313, plus strand): 5'-GCCGAGAGGCAGCTGCGCAAGAGGGCCTTCAGGCAGAGTTGAGGTCTGTGGCCTTGGGCT[G>C]GGCCTTGCGGGAGGTCAGCTCCGACAGCTTCTTCAGCCGCTTCTTCAGCTCCAGCGGGAA-3'
Protein context (NP_001154875.1, residues 322-341): KLSELTSRKA[Gln332Glu]PKATDLNSA